The following is an entry in ClinVar:

ClinVar aggregate classification (germline): Uncertain significance (1 of 4 stars; one submission).

Submission:

Women's Health and Genetics/Laboratory Corporation of America, LabCorp
Classification: Uncertain significance. Last evaluated: 2026-03-31. Review status: criteria provided, single submitter. Criteria: LabCorp Variant Classification Summary - May 2015. Collection method: clinical testing. Allele origin: germline.
Comment: Variant summary: The variant involves the deletion of exons 1-13 in the NSF gene. A presumed nomenclature of c.(?_-108)_(1470+1_1471-1)del has been designated for the purposes of this classification. The exact breakpoint at the 5' end of this variant is unknown, therefore this deletion may extend upstream of the annotated region of this gene. Although the exact breakpoints of this deletion are not known, it is predicted to remove the initiation codon and result in an absence of protein or a truncation of the encoded protein due to translation initiation at a downstream site. Current evidence is not sufficient to establish loss of function as a mechanism for disease. The variant was absent in 21688 control chromosomes. The available data on variant occurrences in the general population are insufficient to allow any conclusion about variant significance. To our knowledge, no occurrence of similar copy number variants in individuals affected with NSF-related conditions and no experimental evidence demonstrating impact on protein function have been reported. No submitters have cited clinical-significance assessments for similar copy number variants to ClinVar. Based on the evidence outlined above, the variant was classified as uncertain significance.

NC_000017.10:g.(?_44668034)_(44782221_44788328)del

Gene: NSF (N-ethylmaleimide sensitive factor, vesicle fusing ATPase; plus strand). Cytogenetic location: 17q21.31.
Variant type: Deletion.
Identifiers: ClinVar variation 4847193 (VCV004847193.1).